The following is an entry in ClinVar:

NM_000363.5(TNNI3):c.470C>T (p.Ala157Val)

Gene: TNNI3 (troponin I3, cardiac type; minus strand). Cytogenetic location: 19q13.42.
Variant type: single nucleotide variant.
Coding change: c.470C>T on transcript NM_000363.5 (MANE Select); coding-DNA position 470, C replaced by T.
Protein change: p.Ala157Val; replaces alanine 157 with valine.
Molecular consequence: missense variant.
Genome position (GRCh38, 1-based): chr19:55,154,109, G>A on the plus strand (C>T on the coding strand, the complement: TNNI3 is on the minus strand). VCF-style: chr19-55154109-G-A. GRCh37 (hg19) VCF-style: chr19-55665477-G-A.
Other names: p.A157V:GCG>GTG; short protein forms A157V.
Identifiers: ClinVar variation 43388 (VCV000043388.53), dbSNP rs397516353, ClinGen allele CA021720.

ClinVar aggregate classification (germline): Pathogenic/Likely pathogenic. Review status: criteria provided, multiple submitters, no conflicts (2 of 4 stars). 19 submissions from 19 submitters: Pathogenic (14); Likely pathogenic (2). 3 of the submissions do not count toward it. Last evaluated 2026-04-03.

Conditions:
TNNI3-related disorder. Also called: TNNI3-related condition; TNNI3-related disorders.
Cardiovascular phenotype. Identifiers: MedGen CN230736.
Cardiomyopathy (CMYO). Also called: Cardiomyopathies. Identifiers: Orphanet 167848, MedGen C0878544, MONDO:0004994, HP:0001638. Inheritance: Various modes of inheritance.
Hypertrophic cardiomyopathy 7. Also called: TNNI3-Related Familial Hypertrophic Cardiomyopathy; Familial hypertrophic cardiomyopathy 7; CARDIOMYOPATHY, FAMILIAL HYPERTROPHIC, 7, MODIFIER OF. Identifiers: MedGen C1860752, MONDO:0013369, OMIM 613690.
Primary familial hypertrophic cardiomyopathy (HCM). Identifiers: Orphanet 99739, MedGen C0949658, MeSH D024741, MONDO:0024573. Inheritance: Various modes of inheritance.
Hypertrophic cardiomyopathy. Also called: HYPERTROPHIC MYOCARDIOPATHY. Identifiers: Orphanet 217569, MedGen C0007194, MeSH D002312, MONDO:0005045, HP:0001639.

Allele frequency attached by ClinVar (database versions not stated): gnomAD exomes below 0.00001; TOPMed 0.00001.
gnomAD v4.1: 5 of 1,613,048 alleles (0.00031%); highest among the groups gnomAD compares: East Asian, 0.0022%; no homozygotes.

Submissions 1 to 9 of 19:

PreventionGenetics, part of Exact Sciences
Classification: Pathogenic for TNNI3-related condition. Last evaluated: 2026-04-03. Review status: criteria provided, single submitter. Criteria: ACMG Guidelines, 2015. Collection method: clinical testing. Allele origin: germline.
Comment: The TNNI3 c.470C>T variant is predicted to result in the amino acid substitution p.Ala157Val. This variant has been reported in multiple individuals with dilated or hypertrophic cardiomyopathy (see for example, Richard et al. 2003. PubMed ID: 12707239; Table S1, Captur et al. 2014. PubMed ID: 24704860; Table S1A/B, Walsh et al. 2016. PubMed ID: 27532257). Functional studies have demonstrated that this variant resulted in a decreased level of the TNNI3 protein compared to wild type (Zheng et al. 2015. PubMed ID: 26506446). This variant has not been reported in a large population database (gnomAD), indicating this variant is rare. This variant is interpreted as pathogenic/likely pathogenic by multiple labs in ClinVar (Variation ID: 43388). This variant is interpreted as pathogenic.

CeGaT Center for Human Genetics Tuebingen
Classification: Likely pathogenic. Last evaluated: 2026-02-01. Review status: criteria provided, single submitter. Criteria: CeGaT Center For Human Genetics Tuebingen Variant Classification Criteria Version 2. Collection method: clinical testing. Allele origin: germline. Affected: yes. Observed: 1 variant allele.
Comment: TNNI3: PS4, PM1, PM2

Molecular Diagnostic Laboratory for Inherited Cardiovascular Disease, Montreal Heart Institute
Classification: Pathogenic for Cardiovascular phenotype. Last evaluated: 2026-01-30. Review status: criteria provided, single submitter. Criteria: ACMG Guidelines, 2015. Collection method: clinical testing. Allele origin: germline. Affected: yes.

Labcorp Genetics (formerly Invitae), Labcorp
Classification: Pathogenic for Hypertrophic cardiomyopathy. Last evaluated: 2026-01-24. Review status: criteria provided, single submitter. Criteria: Invitae Variant Classification Sherloc (09022015). Collection method: clinical testing. Allele origin: germline.
Comment: This sequence change replaces alanine, which is neutral and non-polar, with valine, which is neutral and non-polar, at codon 157 of the TNNI3 protein (p.Ala157Val). This variant is not present in population databases (gnomAD no frequency). This missense change has been observed in individuals with hypertrophic cardiomyopathy (HCM) and dilated cardiomyopathy (PMID: 12707239, 15607392, 16335287, 19645627, 21533915, 23283745, 24111713, 24704860, 25239116, 25524337, 26506446, 27532257). It has also been observed to segregate with disease in related individuals. ClinVar contains an entry for this variant (Variation ID: 43388). An algorithm developed to predict the effect of missense changes on protein structure and function (PolyPhen-2) suggests that this variant is likely to be disruptive. For these reasons, this variant has been classified as Pathogenic.

Ambry Genetics
Classification: Likely pathogenic for Cardiovascular phenotype. Last evaluated: 2025-08-19. Review status: criteria provided, single submitter. Criteria: Ambry Variant Classification Scheme 2023. Collection method: clinical testing. Allele origin: germline.
Comment: The p.A157V variant (also known as c.470C>T), located in coding exon 7 of the TNNI3 gene, results from a C to T substitution at nucleotide position 470. The alanine at codon 157 is replaced by valine, an amino acid with similar properties. This variant was identified in one or more individuals with features consistent with autosomal dominant TNNI3-related cardiomyopathy and segregated with disease in at least one family (Richard P et al. Circulation. 2003;107:2227-32; Mogensen J et al. J Am Coll Cardiol. 2004;44:2315-25; Brito D et al. Rev Port Cardiol. 2005;24:1137-46; Curila K et al. Genet Test Mol Biomarkers. 2009;13:647-50; van den Wijngaard A et al. Neth Heart J. 2011;19(7-8):344-51; Zou Y et al. Mol Biol Rep. 2013;40(6):3969-76; Berge KE et al. Clin Genet. 2014;86(4):355-60; Captur G. Circ Cardiovasc Genet. 2014;7(3):241-8; Coppini R et al. J Am Coll Cardiol. 2014;64(24):2589-600; Lopes LR et al. Heart. 2015;101:294-301; McGurk KA et al. Am J Hum Genet. 2023 Sep;110(9):1482-1495; Ambry internal data). In vitro analysis from one study suggested a possible impact to protein expression as a result of this variant (Zheng H et al. Cardiology. 2016;133:91-6). This amino acid position is well conserved in available vertebrate species. In addition, the in silico prediction for this alteration is inconclusive. This variant is considered to be rare based on population cohorts in the Genome Aggregation Database (gnomAD). Based on the majority of available evidence to date, this variant is likely to be pathogenic for autosomal dominant TNNI3-related cardiomyopathy; however, its clinical significance for autosomal recessive TNNI3-related dilated cardiomyopathy is uncertain.

GeneDx
Classification: Pathogenic. Last evaluated: 2025-06-20. Review status: criteria provided, single submitter. Criteria: GeneDx Variant Classification Process June 2021. Collection method: clinical testing. Allele origin: germline. Affected: yes.
Comment: Not observed at significant frequency in large population cohorts (gnomAD); In silico analysis supports that this missense variant has a deleterious effect on protein structure/function; This variant is associated with the following publications: (PMID: 22857948, 26199943, 27532257, 19645627, 21533915, 26506446, 21310275, 25524337, 28166811, 24111713, 25351510, 16335287, 24704860, 23283745, 25239116, 15607392, 12707239, 28971120, 36129056, 35288587, 34076677, 35653365, 28193612, Kinnear2024[article], Duran2024[article], 37652022)

Blueprint Genetics
Classification: Pathogenic for TNNI3-related disorders. Last evaluated: 2024-08-02. Review status: criteria provided, single submitter. Criteria: ACMG Guidelines, 2015. Collection method: clinical testing. Allele origin: germline. Affected: yes. Observed: 5 variant alleles.

Dasa
Classification: Pathogenic. Last evaluated: 2024-06-11. Review status: criteria provided, single submitter. Criteria: DASA Assertion Criteria. Collection method: clinical testing. Allele origin: germline.
Comment: NM_000363.5(TNNI3):c.470C>T (p.Ala157Val) is a missense variant that results in the substitution of alanine with valine. Functional evidence supports a deleterious effect on the gene or gene product (PMID: 12707239; PMID: 15607392; PMID: 19645627; PMID: 23283745; PMID: 24111713). This variant has been recurrently observed in individuals with related phenotype (PMID: 12707239; PMID: 15607392; PMID: 19645627; PMID: 23283745; PMID: 24111713). Segregation evidence has been reported in affected families. Multiple computational predictions support a deleterious effect on the gene or gene product. The variant is present at low frequency in population datasets. Based on the available data, this variant is classified as pathogenic.

Victorian Clinical Genetics Services, Murdoch Childrens Research Institute
Classification: Pathogenic for Hypertrophic cardiomyopathy 7. Last evaluated: 2023-12-21. Review status: criteria provided, single submitter. Criteria: ACMG Guidelines, 2015. Collection method: clinical testing. Allele origin: germline. Inheritance: Autosomal dominant inheritance. Affected: yes.
Comment: Based on the classification scheme VCGS_Germline_v1.3.4, this variant is classified as Pathogenic. Following criteria are met: 0103 - Gain of function and loss of function are reported mechanisms of disease in this gene. The former is associated with familial restrictive cardiomyopathy 1 (MIM#115210) and hypertrophic cardiomyopathy 7 (MIM#613690), while the latter is associated with dilated cardiomyopathy 1FF (MIM#613286) (PMIDs: 19914256, 21533915). (I) 0108 - This gene is associated with both recessive and dominant disease. The recessive form of inheritance is the exception and has only been reported in a small number of families (PMIDs: 15070570, 23270746). (I) 0112 - The condition associated with this gene has incomplete penetrance (PMIDs: 15607392, 32731933). (I) 0115 - Variants in this gene are known to have variable expressivity (PMID: 23270746). (I) 0200 - Variant is predicted to result in a missense amino acid change from alanine to valine. (I) 0251 - This variant is heterozygous. (I) 0301 - Variant is absent from gnomAD (both v2 and v3). (SP) 0501 - Missense variant consistently predicted to be damaging by multiple in silico tools or highly conserved with a major amino acid change. (SP) 0600 - Variant is located in the annotated troponin family domain (DECIPHER). (I) 0705 - No comparable missense variants have previous evidence for pathogenicity. (I) 0801 - This variant has strong previous evidence of pathogenicity in unrelated individuals. This variant has been reported in over ten individuals, majority of whom have HCM with some reported for DCM (ClinVar,, PMIDs: 19645627, 12707239). (SP) 1208 - Inheritance information for this variant is not currently available in this individual. (I) Legend: (SP) - Supporting pathogenic, (I) - Information, (SB) - Supporting benign